The following is an entry in ClinVar:

ClinVar aggregate classification (germline): Uncertain significance (1 of 4 stars; one submission).

Submission:

GeneDx
Classification: Uncertain significance. Last evaluated: 2023-06-22. Review status: criteria provided, single submitter. Criteria: GeneDx Variant Classification Process June 2021. Collection method: clinical testing. Allele origin: germline. Affected: yes.
Comment: Not observed at significant frequency in large population cohorts (gnomAD); In silico analysis supports that this missense variant does not alter protein structure/function; Has not been previously published as pathogenic or benign to our knowledge

NM_002941.4(ROBO1):c.2944A>C (p.Asn982His)

Gene: ROBO1 (roundabout guidance receptor 1; minus strand). Cytogenetic location: 3p12.3.
Variant type: single nucleotide variant.
Coding change: c.2944A>C on transcript NM_002941.4 (MANE Select); coding-DNA position 2944, A replaced by C.
Protein change: p.Asn982His; replaces asparagine 982 with histidine.
Molecular consequence: missense variant.
Genome position (GRCh38, 1-based): chr3:78,639,837, T>G on the plus strand (A>C on the coding strand, the complement: ROBO1 is on the minus strand). VCF-style: chr3-78639837-T-G. GRCh37 (hg19) VCF-style: chr3-78688987-T-G.
Other names: c.2809A>C, p.Asn937His (NM_001145845.2, NM_133631.4); short protein forms N937H, N982H.
Identifiers: ClinVar variation 3360372 (VCV003360372.1).